The following is an entry in ClinVar:

NM_005055.5(RAPSN):c.725G>A (p.Arg242Gln)

Gene: RAPSN (receptor associated protein of the synapse; minus strand). Cytogenetic location: 11p11.2.
Variant type: single nucleotide variant.
Coding change: c.725G>A on transcript NM_005055.5 (MANE Select); coding-DNA position 725, G replaced by A.
Protein change: p.Arg242Gln; replaces arginine 242 with glutamine.
Molecular consequence: missense variant.
Genome position (GRCh38, 1-based): chr11:47,441,887, C>T on the plus strand (G>A on the coding strand, the complement: RAPSN is on the minus strand). VCF-style: chr11-47441887-C-T. GRCh37 (hg19) VCF-style: chr11-47463439-C-T.
Other names: c.725G>A, p.Arg242Gln (NM_032645.5); short protein forms R242Q.
Identifiers: ClinVar variation 571961 (VCV000571961.7), dbSNP rs780963721, ClinGen allele CA5976654.

ClinVar aggregate classification (germline): Uncertain significance. Review status: criteria provided, single submitter (1 of 4 stars). 2 submissions from 2 submitters: Uncertain significance (1). 1 of the submissions does not count toward it. Last evaluated 2022-10-04.

Conditions:
Congenital myasthenic syndrome (CMS). Also called: Congenital Myasthenic Syndromes. Identifiers: Orphanet 590, MedGen C0751882, MeSH D020294, MONDO:0018940.
Congenital myasthenic syndrome 11. Also called: MYASTHENIC SYNDROME, CONGENITAL, Ie; Myasthenic syndrome, congenital, 11, associated with acetylcholine receptor deficiency. Identifiers: Orphanet 590, MedGen C4225367, MONDO:0014588, OMIM 616326.
Fetal akinesia deformation sequence 1 (FADS1). Also called: Fetal akinesia sequence; Pena-Shokeir syndrome type I. Identifiers: Orphanet 994, MedGen C1276035, MONDO:0100101, OMIM 208150, HP:0001989.

Allele frequency attached by ClinVar (database versions not stated): TOPMed 0.00001; gnomAD 0.00003.

Submissions (2):

Labcorp Genetics (formerly Invitae), Labcorp
Classification: Uncertain significance for Congenital myasthenic syndrome 11; Fetal akinesia deformation sequence 1. Last evaluated: 2022-10-04. Review status: criteria provided, single submitter. Criteria: Invitae Variant Classification Sherloc (09022015). Collection method: clinical testing. Allele origin: germline.
Comment: This sequence change replaces arginine, which is basic and polar, with glutamine, which is neutral and polar, at codon 242 of the RAPSN protein (p.Arg242Gln). The frequency data for this variant in the population databases is considered unreliable, as metrics indicate poor data quality at this position in the gnomAD database. This variant has not been reported in the literature in individuals affected with RAPSN-related conditions. ClinVar contains an entry for this variant (Variation ID: 571961). Advanced modeling of protein sequence and biophysical properties (such as structural, functional, and spatial information, amino acid conservation, physicochemical variation, residue mobility, and thermodynamic stability) performed at Invitae indicates that this missense variant is not expected to disrupt RAPSN protein function. This variant disrupts the p.Arg242 amino acid residue in RAPSN. Other variant(s) that disrupt this residue have been observed in individuals with RAPSN-related conditions (PMID: 19620612), which suggests that this may be a clinically significant amino acid residue. In summary, the available evidence is currently insufficient to determine the role of this variant in disease. Therefore, it has been classified as a Variant of Uncertain Significance.

Natera, Inc.
Classification: Uncertain significance for Congenital myasthenic syndrome. Last evaluated: 2019-11-11. Review status: no assertion criteria provided. Collection method: clinical testing. Allele origin: germline. Not counted in ClinVar's aggregate classification.

Literature cited by the submitters: PubMed 19620612 (cited by Labcorp Genetics (formerly Invitae), Labcorp).